The following is an entry in ClinVar:

NM_173689.7(CRB2):c.762C>T (p.Ser254=)

Gene: CRB2 (crumbs cell polarity complex component 2; plus strand). Cytogenetic location: 9q33.3.
Variant type: single nucleotide variant.
Coding change: c.762C>T on transcript NM_173689.7 (MANE Select); coding-DNA position 762, C replaced by T.
Protein change: p.Ser254=; no amino-acid change (serine 254 retained).
Molecular consequence: synonymous variant.
Genome position (GRCh38, 1-based): chr9:123,367,179, C>T. VCF-style: chr9-123367179-C-T. GRCh37 (hg19) VCF-style: chr9-126129458-C-T.
Identifiers: ClinVar variation 766143 (VCV000766143.35), dbSNP rs201665228, ClinGen allele CA5231790.

ClinVar aggregate classification (germline): Likely benign. Review status: criteria provided, multiple submitters, no conflicts (2 of 4 stars). 3 submissions from 3 submitters: Likely benign (2). 1 of the submissions does not count toward it. Last evaluated 2026-06-01.

Conditions:
CRB2-related disorder. Also called: CRB2-related disorders; CRB2-related condition.

Allele frequency attached by ClinVar (database versions not stated): gnomAD 0.00008; ExAC 0.00009; gnomAD exomes 0.00011 and 0.00012; TOPMed 0.00013; ESP Exome Variant Server 0.00015; 1000 Genomes Project 30x 0.00047; 1000 Genomes Project 0.00060.
gnomAD v4.1: 170 of 1,590,172 alleles (0.011%); highest among the groups gnomAD compares: Non-Finnish European, 0.012%; no homozygotes.

Submissions (3):

CeGaT Center for Human Genetics Tuebingen
Classification: Likely benign. Last evaluated: 2026-06-01. Review status: criteria provided, single submitter. Criteria: CeGaT Center For Human Genetics Tuebingen Variant Classification Criteria Version 2. Collection method: clinical testing. Allele origin: germline. Affected: yes. Observed: 2 variant alleles.
Comment: CRB2: BP4, BP7

Labcorp Genetics (formerly Invitae), Labcorp
Classification: Likely benign. Last evaluated: 2025-09-02. Review status: criteria provided, single submitter. Criteria: Invitae Variant Classification Sherloc (09022015). Collection method: clinical testing. Allele origin: germline.

PreventionGenetics, part of Exact Sciences
Classification: Likely benign for CRB2-related condition. Last evaluated: 2022-02-27. Review status: no assertion criteria provided. Collection method: clinical testing. Allele origin: germline. Not counted in ClinVar's aggregate classification.
Comment: This variant is classified as likely benign based on ACMG/AMP sequence variant interpretation guidelines (Richards et al. 2015 PMID: 25741868, with internal and published modifications).